The following is an entry in ClinVar:

NM_001384474.1(LOXHD1):c.2326C>T (p.Arg776Cys)

Gene: LOXHD1 (lipoxygenase homology PLAT domains 1; minus strand). Cytogenetic location: 18q21.1.
Variant type: single nucleotide variant.
Coding change: c.2326C>T on transcript NM_001384474.1 (MANE Select); coding-DNA position 2326, C replaced by T.
Protein change: p.Arg776Cys; replaces arginine 776 with cysteine.
Molecular consequence: missense variant.
Genome position (GRCh38, 1-based): chr18:46,566,368, G>A on the plus strand (C>T on the coding strand, the complement: LOXHD1 is on the minus strand). VCF-style: chr18-46566368-G-A. GRCh37 (hg19) VCF-style: chr18-44146331-G-A.
Other names: c.2326C>T, p.Arg776Cys (NM_144612.7); short protein forms R776C.
Identifiers: ClinVar variation 1064960 (VCV001064960.4), dbSNP rs1350221655, ClinGen allele CA402374185.

ClinVar aggregate classification (germline): Uncertain significance. Review status: criteria provided, multiple submitters, no conflicts (2 of 4 stars). 2 submissions from 2 submitters: Uncertain significance (2). Last evaluated 2026-04-07.

Conditions:
LOXHD1-related disorder. Also called: LOXHD1-related condition.
Hearing impairment. Also called: Impaired Hearing. Identifiers: MedGen C1384666, MONDO:0005365, HP:0000365.

Allele frequency attached by ClinVar (database versions not stated): gnomAD 0.00001; gnomAD exomes 0.00001; TOPMed 0.00002.
gnomAD v4.1: 19 of 1,551,552 alleles (0.0012%); highest among the groups gnomAD compares: Middle Eastern, 0.05%; no homozygotes.

Submissions (2):

PreventionGenetics, part of Exact Sciences
Classification: Uncertain significance for LOXHD1-related condition. Last evaluated: 2026-04-07. Review status: criteria provided, single submitter. Criteria: ACMG Guidelines, 2015. Collection method: clinical testing. Allele origin: germline.
Comment: The LOXHD1 c.2326C>T variant is predicted to result in the amino acid substitution p.Arg776Cys. To our knowledge, this variant has not been reported in the literature. This variant is reported in 0.0040% of alleles in individuals of Latino descent in gnomAD. At this time, the clinical significance of this variant is uncertain due to the absence of conclusive functional and genetic evidence.

Department of Otolaryngology – Head & Neck Surgery, Cochlear Implant Center
Classification: Uncertain significance for Hearing impairment. Last evaluated: 2021-04-12. Review status: criteria provided, single submitter. Criteria: ClinGen HL ACMG Specifications v1. Collection method: clinical testing. Allele origin: germline. Affected: yes.
Comment: PM2_Moderate, PP3_Supporting